The following is an entry in ClinVar:

ClinVar aggregate classification (germline): Uncertain significance (1 of 4 stars; one submission).

Conditions:
Encephalopathy, acute, infection-induced (herpes-specific), susceptibility to, 1. Also called: Herpes simplex encephalitis, susceptibility to, 1. Identifiers: Orphanet 1930, MedGen C2750180, MONDO:0024563, OMIM 610551.

Allele frequency attached by ClinVar (database versions not stated): TOPMed 0.00004; 1000 Genomes Project 30x 0.00016; 1000 Genomes Project 0.00020.
gnomAD v4.1: 56 of 1,602,432 alleles (0.0035%); highest among the groups gnomAD compares: East Asian, 0.0068%; no homozygotes.

Submission:

Labcorp Genetics (formerly Invitae), Labcorp
Classification: Uncertain significance for Encephalopathy, acute, infection-induced (herpes-specific), susceptibility to, 1. Last evaluated: 2025-11-13. Review status: criteria provided, single submitter. Criteria: Invitae Variant Classification Sherloc (09022015). Collection method: clinical testing. Allele origin: germline.
Comment: This sequence change replaces alanine, which is neutral and non-polar, with threonine, which is neutral and polar, at codon 219 of the TLR3 protein (p.Ala219Thr). This variant is present in population databases (rs192016427, gnomAD 0.02%). This variant has not been reported in the literature in individuals affected with TLR3-related conditions. ClinVar contains an entry for this variant (Variation ID: 567930). An algorithm developed to predict the effect of missense changes on protein structure and function outputs the following: PolyPhen-2: "Benign". The threonine amino acid residue is found in multiple mammalian species, which suggests that this missense change does not adversely affect protein function. In summary, the available evidence is currently insufficient to determine the role of this variant in disease. Therefore, it has been classified as a Variant of Uncertain Significance.

NM_003265.3(TLR3):c.655G>A (p.Ala219Thr)

Gene: TLR3 (toll like receptor 3; plus strand). Cytogenetic location: 4q35.1.
Variant type: single nucleotide variant.
Coding change: c.655G>A on transcript NM_003265.3 (MANE Select); coding-DNA position 655, G replaced by A.
Protein change: p.Ala219Thr; replaces alanine 219 with threonine.
Molecular consequence: missense variant.
Genome position (GRCh38, 1-based): chr4:186,082,341, G>A. VCF-style: chr4-186082341-G-A. GRCh37 (hg19) VCF-style: chr4-187003495-G-A.
Other names: short protein forms A219T.
Identifiers: ClinVar variation 567930 (VCV000567930.8), dbSNP rs192016427, ClinGen allele CA3161284.
Genomic context (GRCh38, chr4:186,082,341, plus strand): 5'-TCTTTTGATTGTTAACCTCTTTTTTTTTCCTACCTTTAGTTTTCTCCAGGGTGTTTTCAC[G>A]CAATTGGAAGATTATTTGGCCTCTTTCTGAACAATGTCCAGCTGGGTCCCAGCCTTACAG-3'
Protein context (NP_003256.1, residues 209-229): IKEFSPGCFH[Ala219Thr]IGRLFGLFLN